The following is an entry in ClinVar:

NM_052945.4(TNFRSF13C):c.199G>T (p.Ala67Ser)

Genes: TNFRSF13C (TNF receptor superfamily member 13C; minus strand), LOC130067574 (ATAC-STARR-seq lymphoblastoid silent region 13813; plus strand). Cytogenetic location: 22q13.2.
Variant type: single nucleotide variant.
Coding change: c.199G>T on transcript NM_052945.4 (MANE Select); coding-DNA position 199, G replaced by T.
Protein change: p.Ala67Ser; replaces alanine 67 with serine.
Molecular consequence: missense variant.
Genome position (GRCh38, 1-based): chr22:41,926,269, C>A on the plus strand (G>T on the coding strand, the complement: TNFRSF13C is on the minus strand). VCF-style: chr22-41926269-C-A. GRCh37 (hg19) VCF-style: chr22-42322273-C-A.
Other names: short protein forms A67S.
Identifiers: ClinVar variation 1721629 (VCV001721629.6), dbSNP rs1050585658, ClinGen allele CA411763294.

ClinVar aggregate classification (germline): Uncertain significance (1 of 4 stars; one submission).

Conditions:
Immunodeficiency, common variable, 4. Also called: ANTIBODY DEFICIENCY DUE TO BAFFR DEFECT. Identifiers: Orphanet 1572, Orphanet 696925, MedGen C3150739, MONDO:0013284, OMIM 613494.

Submission:

Labcorp Genetics (formerly Invitae), Labcorp
Classification: Uncertain significance for Immunodeficiency, common variable, 4. Last evaluated: 2022-10-14. Review status: criteria provided, single submitter. Criteria: Invitae Variant Classification Sherloc (09022015). Collection method: clinical testing. Allele origin: germline.
Comment: In summary, the available evidence is currently insufficient to determine the role of this variant in disease. Therefore, it has been classified as a Variant of Uncertain Significance. Algorithms developed to predict the effect of missense changes on protein structure and function (SIFT, PolyPhen-2, Align-GVGD) all suggest that this variant is likely to be tolerated. This variant has not been reported in the literature in individuals affected with TNFRSF13C-related conditions. This variant is not present in population databases (gnomAD no frequency). This sequence change replaces alanine, which is neutral and non-polar, with serine, which is neutral and polar, at codon 67 of the TNFRSF13C protein (p.Ala67Ser).